The following is an entry in ClinVar:

NM_182931.3(KMT2E):c.5043A>T (p.Pro1681=)

Gene: KMT2E (lysine methyltransferase 2E (inactive); plus strand). Cytogenetic location: 7q22.3.
Variant type: single nucleotide variant.
Coding change: c.5043A>T on transcript NM_182931.3 (MANE Select); coding-DNA position 5043, A replaced by T.
Protein change: p.Pro1681=; no amino-acid change (proline 1681 retained).
Molecular consequence: synonymous variant.
Genome position (GRCh38, 1-based): chr7:105,112,799, A>T. VCF-style: chr7-105112799-A-T. GRCh37 (hg19) VCF-style: chr7-104753246-A-T.
Other names: c.4917A>T, p.Pro1639= (NM_001410908.1); c.5043A>T, p.Pro1681= (NM_018682.4).
Identifiers: ClinVar variation 2175959 (VCV002175959.11), dbSNP rs780916307, ClinGen allele CA4424895.

ClinVar aggregate classification (germline): Likely benign. Review status: criteria provided, multiple submitters, no conflicts (2 of 4 stars). 2 submissions from 2 submitters: Likely benign (2). Last evaluated 2025-03-01.

Allele frequency attached by ClinVar (database versions not stated): gnomAD exomes 0.00010.

Submissions (2):

CeGaT Center for Human Genetics Tuebingen
Classification: Likely benign. Last evaluated: 2025-03-01. Review status: criteria provided, single submitter. Criteria: CeGaT Center For Human Genetics Tuebingen Variant Classification Criteria Version 2. Collection method: clinical testing. Allele origin: germline. Affected: yes. Observed: 1 variant allele.
Comment: KMT2E: BP4, BP7

Labcorp Genetics (formerly Invitae), Labcorp
Classification: Likely benign. Last evaluated: 2022-04-25. Review status: criteria provided, single submitter. Criteria: Invitae Variant Classification Sherloc (09022015). Collection method: clinical testing. Allele origin: germline.